The following is an entry in ClinVar:

ClinVar aggregate classification (germline): Likely benign. Review status: criteria provided, multiple submitters, no conflicts (2 of 4 stars). 3 submissions from 3 submitters: Likely benign (2). 1 of the submissions does not count toward it. Last evaluated 2026-06-04.

Conditions:
PAPPA2-related disorder. Also called: PAPPA2-related condition.

Allele frequency attached by ClinVar (database versions not stated): 1000 Genomes Project 0.00040; 1000 Genomes Project 30x 0.00078; TOPMed 0.00233; ExAC 0.00279; ESP Exome Variant Server 0.00303.
gnomAD v4.1: 5,330 of 1,614,224 alleles (0.33%); highest among the groups gnomAD compares: Middle Eastern, 0.84%; 17 homozygotes.

Submissions (3):

Women's Health and Genetics/Laboratory Corporation of America, LabCorp
Classification: Likely benign. Last evaluated: 2026-06-04. Review status: criteria provided, single submitter. Criteria: LabCorp Variant Classification Summary - May 2015. Collection method: clinical testing. Allele origin: germline.
Comment: Variant summary: PAPPA2 c.1240G>C (p.Glu414Gln) results in a conservative amino acid change in the encoded protein sequence. Algorithms developed to predict the effect of missense changes on protein structure and function all suggest that this variant is likely to be tolerated. The variant allele was found at a frequency of 0.0028 in 249480 control chromosomes in the gnomAD database, including 4 homozygotes. The observed variant frequency exceeds the estimated maximal expected allele frequency for disease-causing variants in PAPPA2. To our knowledge, no occurrence of c.1240G>C in individuals affected with PAPPA2-related conditions and no experimental evidence demonstrating its impact on protein function have been reported. ClinVar contains an entry for this variant (Variation ID: 2639580). Based on the evidence outlined above, the variant was classified as likely benign.

CeGaT Center for Human Genetics Tuebingen
Classification: Likely benign. Last evaluated: 2022-10-01. Review status: criteria provided, single submitter. Criteria: CeGaT Center For Human Genetics Tuebingen Variant Classification Criteria Version 2. Collection method: clinical testing. Allele origin: germline. Affected: yes. Observed: 1 variant allele.
Comment: PAPPA2: BP4

PreventionGenetics, part of Exact Sciences
Classification: Likely benign for PAPPA2-related condition. Last evaluated: 2022-02-01. Review status: no assertion criteria provided. Collection method: clinical testing. Allele origin: germline. Not counted in ClinVar's aggregate classification.
Comment: This variant is classified as likely benign based on ACMG/AMP sequence variant interpretation guidelines (Richards et al. 2015 PMID: 25741868, with internal and published modifications).

NM_020318.3(PAPPA2):c.1240G>C (p.Glu414Gln)

Gene: PAPPA2 (pappalysin 2; plus strand). Cytogenetic location: 1q25.2.
Variant type: single nucleotide variant.
Coding change: c.1240G>C on transcript NM_020318.3 (MANE Select); coding-DNA position 1240, G replaced by C.
Protein change: p.Glu414Gln; replaces glutamic acid 414 with glutamine.
Molecular consequence: missense variant.
Genome position (GRCh38, 1-based): chr1:176,594,844, G>C. VCF-style: chr1-176594844-G-C. GRCh37 (hg19) VCF-style: chr1-176563980-G-C.
Other names: c.1240G>C (NM_020318.2); c.1240G>C, p.Glu414Gln (NM_021936.3); short protein forms E414Q.
Identifiers: ClinVar variation 2639580 (VCV002639580.26), dbSNP rs202065297, ClinGen allele CA1257261.
Genomic context (GRCh38, chr1:176,594,844, plus strand): 5'-CCCCTGAACAGCCCCTTCATGGCATCTTGCCGCTCTTTGCTCCTGGGGGGAGACAGCTCT[G>C]AGGATGGGCACTATTTCCGTGGACACCTGGGCACACTGGTTTTCTGGTCGACCGCCCTGC-3'
Protein context (NP_064714.2, residues 404-424): RSLLLGGDSS[Glu414Gln]DGHYFRGHLG